The following is an entry in ClinVar:

ClinVar aggregate classification (germline): Conflicting classifications of pathogenicity. Review status: criteria provided, conflicting classifications (1 of 4 stars). 5 submissions from 5 submitters: Uncertain significance (4); Likely benign (1). Last evaluated 2026-02-20.

Conditions:
Hypercholesterolemia, autosomal dominant, type B (FHCL2). Also called: Familial Hypercholesterolemia Type B; Familial hypercholesterolemia 2; APOLIPOPROTEIN B-100, FAMILIAL DEFECTIVE; APOLIPOPROTEIN B-100, FAMILIAL LIGAND-DEFECTIVE; Hyperlipoproteinemia Type IIb; HYPERCHOLESTEROLEMIA, FAMILIAL, DUE TO LIGAND-DEFECTIVE APOLIPOPROTEIN B. Identifiers: MedGen C1704417, MONDO:0007751, OMIM 144010.
Familial hypobetalipoproteinemia 1. Also called: APOB-Related Familial Hypobetalipoproteinemia; Hypobetalipoproteinemia, normotriglyceridemic; Acanthocytosis with hypobetalipoproteinemia. Identifiers: MedGen C4551990, MONDO:0014252, OMIM 615558.
APOB-related disorder. Also called: APOB-related condition; APOB-related disorders.
Cardiovascular phenotype. Identifiers: MedGen CN230736.

Allele frequency attached by ClinVar (database versions not stated): ExAC 0.00001; gnomAD exomes 0.00001; gnomAD 0.00004; TOPMed 0.00016.
gnomAD v4.1: 15 of 1,613,996 alleles (0.00093%); highest among the groups gnomAD compares: Admixed American, 0.013%; no homozygotes.

Submissions (5):

PreventionGenetics, part of Exact Sciences
Classification: Uncertain significance for APOB-related condition. Last evaluated: 2026-02-20. Review status: criteria provided, single submitter. Criteria: ACMG Guidelines, 2015. Collection method: clinical testing. Allele origin: germline.
Comment: The APOB c.721A>T variant is predicted to result in the amino acid substitution p.Ser241Cys. To our knowledge, this variant has not been reported in the literature. This variant is reported in 0.0058% of alleles in individuals of Latino descent in gnomAD. At this time, the clinical significance of this variant is uncertain due to the absence of conclusive functional and genetic evidence.

Labcorp Genetics (formerly Invitae), Labcorp
Classification: Likely benign for Familial hypobetalipoproteinemia 1; Hypercholesterolemia, autosomal dominant, type B. Last evaluated: 2025-12-22. Review status: criteria provided, single submitter. Criteria: Invitae Variant Classification Sherloc (09022015). Collection method: clinical testing. Allele origin: germline.

Quest Diagnostics Nichols Institute San Juan Capistrano
Classification: Uncertain significance. Last evaluated: 2023-07-26. Review status: criteria provided, single submitter. Criteria: Quest Diagnostics criteria. Collection method: clinical testing. Allele origin: unknown.
Comment: To the best of our knowledge, this variant has not been reported in the published literature. The frequency of this variant in the general population, 0.000012 (3/251372 chromosomes (Genome Aggregation Database)), is uninformative in the assessment of its pathogenicity. Analysis of this variant using bioinformatics tools for the prediction of the effect of amino acid changes on protein structure and function yielded predictions that this variant is damaging. Based on the available information, we are unable to determine the clinical significance of this variant.

GeneDx
Classification: Uncertain significance. Last evaluated: 2022-08-03. Review status: criteria provided, single submitter. Criteria: GeneDx Variant Classification Process June 2021. Collection method: clinical testing. Allele origin: germline. Affected: yes.
Comment: Has not been previously published as pathogenic or benign to our knowledge; Not observed at significant frequency in large population cohorts (gnomAD); In silico analysis supports that this missense variant has a deleterious effect on protein structure/function

Ambry Genetics
Classification: Uncertain significance for Cardiovascular phenotype. Last evaluated: 2021-08-27. Review status: criteria provided, single submitter. Criteria: Ambry Variant Classification Scheme 2023. Collection method: clinical testing. Allele origin: germline.
Comment: The p.S241C variant (also known as c.721A>T), located in coding exon 7 of the APOB gene, results from an A to T substitution at nucleotide position 721. The serine at codon 241 is replaced by cysteine, an amino acid with dissimilar properties. This amino acid position is conserved. In addition, the in silico prediction for this alteration is inconclusive. Since supporting evidence is limited at this time, the clinical significance of this alteration remains unclear.

NM_000384.3(APOB):c.721A>T (p.Ser241Cys)

Gene: APOB (apolipoprotein B; minus strand). Cytogenetic location: 2p24.1.
Variant type: single nucleotide variant.
Coding change: c.721A>T on transcript NM_000384.3 (MANE Select); coding-DNA position 721, A replaced by T.
Protein change: p.Ser241Cys; replaces serine 241 with cysteine.
Molecular consequence: missense variant.
Genome position (GRCh38, 1-based): chr2:21,035,681, T>A on the plus strand (A>T on the coding strand, the complement: APOB is on the minus strand). VCF-style: chr2-21035681-T-A. GRCh37 (hg19) VCF-style: chr2-21258553-T-A.
Other names: short protein forms S241C.
Identifiers: ClinVar variation 565847 (VCV000565847.19), dbSNP rs758838678, ClinGen allele CA064197.